The following is an entry in ClinVar:

NM_001267550.2(TTN):c.100432T>G (p.Trp33478Gly)

Genes: TTN (titin; minus strand), TTN-AS1 (TTN antisense RNA 1; plus strand). Cytogenetic location: 2q31.2.
Variant type: single nucleotide variant.
Coding change: c.100432T>G on transcript NM_001267550.2 (MANE Select); coding-DNA position 100432, T replaced by G.
Protein change: p.Trp33478Gly; replaces tryptophan 33478 with glycine.
Molecular consequence: missense variant.
Genome position (GRCh38, 1-based): chr2:178,536,315, A>C on the plus strand (T>G on the coding strand, the complement: TTN is on the minus strand). VCF-style: chr2-178536315-A-C. GRCh37 (hg19) VCF-style: chr2-179401042-A-C.
Other names: p.W31837G:TGG>GGG; p.Trp30910Gly; c.100432T>G (LRG_391t1); c.95509T>G, p.Trp31837Gly (NM_001256850.1); c.73237T>G, p.Trp24413Gly (NM_003319.4); c.92728T>G, p.Trp30910Gly (NM_133378.4); c.73612T>G, p.Trp24538Gly (NM_133432.3); c.73813T>G, p.Trp24605Gly (NM_133437.4); short protein forms W31837G, W33478G, W30910G, W24413G, W24605G, W24538G.
Identifiers: ClinVar variation 203055 (VCV000203055.49), dbSNP rs372304158, ClinGen allele CA311103.

ClinVar aggregate classification (germline): Conflicting classifications of pathogenicity. Review status: criteria provided, conflicting classifications (1 of 4 stars). 20 submissions from 16 submitters: Uncertain significance (13); Benign (2); Likely benign (5). Last evaluated 2025-11-09.

Conditions:
TTN-related disorder. Also called: TTN-related condition; TTN-related disease; TTN-related disorders.
Cardiovascular phenotype. Identifiers: MedGen CN230736.
Autosomal recessive limb-girdle muscular dystrophy type 2J (LGMDR10). Also called: Limb-girdle muscular dystrophy, type 2J; MUSCULAR DYSTROPHY, LIMB-GIRDLE, AUTOSOMAL RECESSIVE 10. Identifiers: Orphanet 140922, MedGen C1837342, MONDO:0012127, OMIM 608807.
Dilated cardiomyopathy 1G (CMD1G). Identifiers: Orphanet 154, MedGen C1858763, MONDO:0011400, OMIM 604145.
Early-onset myopathy with fatal cardiomyopathy (CMYO5). Also called: Salih Myopathy; CONGENITAL MYOPATHY 5 WITH CARDIOMYOPATHY. Identifiers: Orphanet 289377, MedGen C2673677, MONDO:0012714, OMIM 611705. Disease mechanism: loss of function.
Myopathy, myofibrillar, 9, with early respiratory failure (MFM9). Also called: EDSTROM MYOPATHY; MYOPATHY, PROXIMAL, WITH EARLY RESPIRATORY MUSCLE INVOLVEMENT; Myopathy, distal, with early respiratory failure, autosomal dominant; Hereditary myopathy with early respiratory failure. Identifiers: Orphanet 178464, Orphanet 34521, MedGen C1863599, MONDO:0011362, OMIM 603689.
Tibial muscular dystrophy (TMD). Also called: Tibial muscular dystrophy, tardive; UDD MYOPATHY; Udd Distal Myopathy – Tibial Muscular Dystrophy. Identifiers: Orphanet 609, MedGen C1838244, MONDO:0010870, OMIM 600334.
Hypertrophic cardiomyopathy 9. Also called: Familial hypertrophic cardiomyopathy 9. Identifiers: MedGen C1861065, MONDO:0013412, OMIM 613765.
Cardiomyopathy (CMYO). Also called: Cardiomyopathies. Identifiers: Orphanet 167848, MedGen C0878544, MONDO:0004994, HP:0001638. Inheritance: Various modes of inheritance.
Generalized hypotonia. Identifiers: MedGen C1858120, HP:0001290.
Delayed speech and language development. Also called: Language delay. Identifiers: MedGen C0454644, HP:0000750.
Abnormal speech pattern. Also called: Neurological speech impairment; Speech impairment. Identifiers: MedGen C3687424, HP:0002167.
Abnormality of eye movement. Identifiers: MedGen C0497202, HP:0000496.
Hypotonia. Also called: Muscular hypotonia; poor muscle tone. Identifiers: MedGen C0026827, HP:0001252.
Delayed gross motor development. Identifiers: MedGen C1837658, HP:0002194.

Allele frequency attached by ClinVar (database versions not stated): ESP Exome Variant Server 0.00017; gnomAD 0.00017 and 0.00018; TOPMed 0.00018; gnomAD exomes 0.00019 and 0.00032; ExAC 0.00023.
gnomAD v4.1: 490 of 1,613,594 alleles (0.03%); highest among the groups gnomAD compares: Non-Finnish European, 0.039%; no homozygotes.

Submissions 1 to 14 of 20:

Mayo Clinic Laboratories, Mayo Clinic
Classification: Uncertain significance. Last evaluated: 2025-11-09. Review status: criteria provided, single submitter. Criteria: ACMG Guidelines, 2015. Collection method: clinical testing. Allele origin: germline. Observed: 3 variant alleles.

PreventionGenetics, part of Exact Sciences
Classification: Likely benign for TTN-related condition. Last evaluated: 2025-10-02. Review status: criteria provided, single submitter. Criteria: ACMG Guidelines, 2015. Collection method: clinical testing. Allele origin: germline.
Comment: This variant is classified as likely benign based on ACMG/AMP sequence variant interpretation guidelines (Richards et al. 2015 PMID: 25741868, with internal and published modifications).

Molecular Diagnostic Laboratory for Inherited Cardiovascular Disease, Montreal Heart Institute
Classification: Likely benign. Last evaluated: 2025-07-24. Review status: criteria provided, single submitter. Criteria: ACMG Guidelines, 2015. Collection method: clinical testing. Allele origin: germline. Affected: no.
Comment: BP1

Athena Diagnostics
Classification: Uncertain significance. Last evaluated: 2025-06-27. Review status: criteria provided, single submitter. Criteria: Athena Diagnostics Criteria. Collection method: clinical testing. Allele origin: unknown.
Comment: Available data are insufficient to determine the clinical significance of the variant at this time. The frequency of this variant in the general population is higher than would generally be expected for pathogenic variants in this gene. Polyphen and MutationTaster yielded discordant predictions regarding whether this amino acid change is damaging to the protein.

Blueprint Genetics
Classification: Likely benign. Last evaluated: 2024-10-17. Review status: criteria provided, single submitter. Criteria: ACMG Guidelines, 2015. Collection method: clinical testing. Allele origin: germline.

CeGaT Center for Human Genetics Tuebingen
Classification: Uncertain significance. Last evaluated: 2023-10-01. Review status: criteria provided, single submitter. Criteria: CeGaT Center For Human Genetics Tuebingen Variant Classification Criteria Version 2. Collection method: clinical testing. Allele origin: germline. Affected: yes. Observed: 1 variant allele.
Comment: TTN: PM2

CHEO Genetics Diagnostic Laboratory, Children's Hospital of Eastern Ontario
Classification: Likely benign for Cardiomyopathy. Last evaluated: 2023-05-16. Review status: criteria provided, single submitter. Criteria: ACMG Guidelines, 2015. Collection method: clinical testing. Allele origin: germline.

Revvity Omics, Revvity
Classification: Uncertain significance. Last evaluated: 2023-03-24. Review status: criteria provided, single submitter. Criteria: ACMG Guidelines, 2015. Collection method: clinical testing. Allele origin: germline.

Women's Health and Genetics/Laboratory Corporation of America, LabCorp
Classification: Uncertain significance. Last evaluated: 2022-08-08. Review status: criteria provided, single submitter. Criteria: LabCorp Variant Classification Summary - May 2015. Collection method: clinical testing. Allele origin: germline.
Comment: Variant summary: TTN c.92728T>G (p.Trp30910Gly) results in a non-conservative amino acid change located in the A-band of the encoded protein sequence. Three of four in-silico tools predict a damaging effect of the variant on protein function. The variant allele was found at a frequency of 0.00019 in 248518 control chromosomes, predominantly at a frequency of 0.00036 within the Non-Finnish European subpopulation in the gnomAD database. This frequency is not significantly higher than expected for a pathogenic variant in TTN causing Dilated Cardiomyopathy (0.00019 vs 0.00039), allowing no conclusion about variant significance. c.92728T>G has been reported in the literature as a VUS in settings of multigene panel testing and whole exome sequencing in individuals affected with various cardiomyopathies and in at least two cases of sudden cardiac death (e.g.Grunert_2014, Santori_2015, Nunn_2016, Forleo_2017, Minoche_2019). These report(s) do not provide unequivocal conclusions about association of the variant with Dilated Cardiomyopathy. To our knowledge, no experimental evidence demonstrating an impact on protein function has been reported. Nine clinical submitters have provided clinical-significance assessments for this variant to ClinVar after 2014. Most classified the variant as VUS (n=7), and two classified the variant as benign (n=1) or likely benign (n=1). Based on the evidence outlined above, the variant was classified as uncertain significance.

GeneDx
Classification: Likely benign. Last evaluated: 2021-05-11. Review status: criteria provided, single submitter. Criteria: GeneDx Variant Classification Process June 2021. Collection method: clinical testing. Allele origin: germline. Affected: yes.
Comment: This variant is associated with the following publications: (PMID: 24459294, 26272908)

Knight Diagnostic Laboratories, Oregon Health and Sciences University
Classification: Uncertain significance for Delayed gross motor development; Delayed speech and language development; Generalized hypotonia; Abnormal speech pattern; Abnormality of eye movement; Hypotonia. Last evaluated: 2019-03-04. Review status: criteria provided, single submitter. Criteria: ACMG Guidelines, 2015. Collection method: clinical testing. Allele origin: germline. Observed: 1 variant allele.

Fulgent Genetics
Classification: Uncertain significance for Tibial muscular dystrophy; Myopathy, myofibrillar, 9, with early respiratory failure; Dilated cardiomyopathy 1G; Autosomal recessive limb-girdle muscular dystrophy type 2J; Early-onset myopathy with fatal cardiomyopathy; Hypertrophic cardiomyopathy 9. Last evaluated: 2018-10-31. Review status: criteria provided, single submitter. Criteria: ACMG Guidelines, 2015. Collection method: clinical testing. Allele origin: unknown.

Ambry Genetics
Classification: Uncertain significance for Cardiovascular phenotype. Last evaluated: 2018-09-19. Review status: criteria provided, single submitter. Criteria: Ambry Variant Classification Scheme 2023. Collection method: clinical testing. Allele origin: germline.
Comment: The p.W24413G variant (also known as c.73237T>G), located in coding exon 184 of the TTN gene, results from a T to G substitution at nucleotide position 73237. The tryptophan at codon 24413 is replaced by glycine, an amino acid with highly dissimilar properties. This variant was reported in a sudden unexplained death case (as NM_001256850.1:c.95509T>G p.W31837G in Santori M et al. Arch. Dis. Child., 2015 Oct;100:952-6) and in an individual from a congenital heart defect cohort (as NM_001267550.1: c.100432T>G p.W33478G in Grunert M et al. Hum. Mol. Genet., 2014 Jun;23:3115-28); however, both of these individuals also had additional cardiac-related variants. This amino acid position is highly conserved in available vertebrate species. In addition, the in silico prediction for this alteration is inconclusive. Since supporting evidence is limited at this time, the clinical significance of this variant remains unclear.

Eurofins Ntd Llc (ga)
Classification: Uncertain significance. Last evaluated: 2018-07-30. Review status: criteria provided, single submitter. Criteria: EGL ClinVar v180209 classification definitions. Collection method: clinical testing. Allele origin: germline. Observed: 3 variant alleles, 3 heterozygotes.